The following is an entry in ClinVar:

ClinVar aggregate classification (germline): Uncertain significance. Review status: criteria provided, multiple submitters, no conflicts (2 of 4 stars). 2 submissions from 2 submitters: Uncertain significance (2). Last evaluated 2023-08-25.

Conditions:
Hereditary cancer-predisposing syndrome. Also called: Tumor predisposition; Hereditary Cancer Syndrome; Hereditary neoplastic syndrome; Neoplastic Syndromes, Hereditary. Identifiers: Orphanet 140162, MedGen C0027672, MeSH D009386, MONDO:0015356.
Oligodontia-cancer predisposition syndrome. Also called: TOOTH AGENESIS-COLORECTAL CANCER SYNDROME. Identifiers: Orphanet 300576, MedGen C1837750, MONDO:0012075, OMIM 608615. Disease mechanism: loss of function.

Submissions (2):

Ambry Genetics
Classification: Uncertain significance for Hereditary cancer-predisposing syndrome. Last evaluated: 2023-08-25. Review status: criteria provided, single submitter. Criteria: Ambry Variant Classification Scheme 2023. Collection method: clinical testing. Allele origin: germline.
Comment: The p.A599T variant (also known as c.1795G>A), located in coding exon 6 of the AXIN2 gene, results from a G to A substitution at nucleotide position 1795. The alanine at codon 599 is replaced by threonine, an amino acid with similar properties. This amino acid position is conserved. In addition, this alteration is predicted to be tolerated by in silico analysis. Since supporting evidence is limited at this time, the clinical significance of this alteration remains unclear.

Labcorp Genetics (formerly Invitae), Labcorp
Classification: Uncertain significance for Oligodontia-cancer predisposition syndrome. Last evaluated: 2023-07-25. Review status: criteria provided, single submitter. Criteria: Invitae Variant Classification Sherloc (09022015). Collection method: clinical testing. Allele origin: germline.
Comment: This sequence change replaces alanine, which is neutral and non-polar, with threonine, which is neutral and polar, at codon 599 of the AXIN2 protein (p.Ala599Thr). This variant is not present in population databases (gnomAD no frequency). This variant has not been reported in the literature in individuals affected with AXIN2-related conditions. An algorithm developed to predict the effect of missense changes on protein structure and function (PolyPhen-2) suggests that this variant is likely to be tolerated. In summary, the available evidence is currently insufficient to determine the role of this variant in disease. Therefore, it has been classified as a Variant of Uncertain Significance.

NM_004655.4(AXIN2):c.1795G>A (p.Ala599Thr)

Gene: AXIN2 (axin 2; minus strand). Cytogenetic location: 17q24.1.
Variant type: single nucleotide variant.
Coding change: c.1795G>A on transcript NM_004655.4 (MANE Select); coding-DNA position 1795, G replaced by A.
Protein change: p.Ala599Thr; replaces alanine 599 with threonine.
Molecular consequence: missense variant. On other transcripts: intron variant (1).
Genome position (GRCh38, 1-based): chr17:65,536,981, C>T on the plus strand (G>A on the coding strand, the complement: AXIN2 is on the minus strand). VCF-style: chr17-65536981-C-T. GRCh37 (hg19) VCF-style: chr17-63533099-C-T.
Other names: c.1712+343G>A (NM_001363813.1); short protein forms A599T.
Identifiers: ClinVar variation 2624756 (VCV002624756.5), dbSNP rs1060502129, ClinGen allele CA400676604.